The following is an entry in ClinVar:

NM_025137.4(SPG11):c.5086G>A (p.Ala1696Thr)

Gene: SPG11 (SPG11 vesicle trafficking associated, spatacsin; minus strand). Cytogenetic location: 15q21.1.
Variant type: single nucleotide variant.
Coding change: c.5086G>A on transcript NM_025137.4 (MANE Select); coding-DNA position 5086, G replaced by A.
Protein change: p.Ala1696Thr; replaces alanine 1696 with threonine.
Molecular consequence: missense variant.
Genome position (GRCh38, 1-based): chr15:44,585,671, C>T on the plus strand (G>A on the coding strand, the complement: SPG11 is on the minus strand). VCF-style: chr15-44585671-C-T. GRCh37 (hg19) VCF-style: chr15-44877869-C-T.
Other names: c.5086G>A, p.Ala1696Thr (NM_001160227.2); short protein forms A1696T.
Identifiers: ClinVar variation 1360902 (VCV001360902.8), dbSNP rs2140949961, ClinGen allele CA392223343.

ClinVar aggregate classification (germline): Uncertain significance (1 of 4 stars; one submission).

Conditions:
Hereditary spastic paraplegia 11. Also called: SPASTIC PARAPLEGIA, AUTOSOMAL RECESSIVE, COMPLICATED, WITH THIN CORPUS CALLOSUM; SPASTIC PARAPLEGIA, AUTOSOMAL RECESSIVE, WITH MENTAL IMPAIRMENT AND THIN CORPUS CALLOSUM; Spastic Paraplegia 11; Nakamura Osame syndrome; Autosomal recessive hereditary spastic paraplegia, mental impairment, and thin corpus callosum; Spastic paraplegia, mental retardation and thin corpus callosum. Identifiers: Orphanet 2822, MedGen C1858479, MONDO:0011445, OMIM 604360.

Submission:

Labcorp Genetics (formerly Invitae), Labcorp
Classification: Uncertain significance for Hereditary spastic paraplegia 11. Last evaluated: 2022-08-23. Review status: criteria provided, single submitter. Criteria: Invitae Variant Classification Sherloc (09022015). Collection method: clinical testing. Allele origin: germline.
Comment: In summary, the available evidence is currently insufficient to determine the role of this variant in disease. Therefore, it has been classified as a Variant of Uncertain Significance. Algorithms developed to predict the effect of missense changes on protein structure and function are either unavailable or do not agree on the potential impact of this missense change (SIFT: "Tolerated"; PolyPhen-2: "Possibly Damaging"; Align-GVGD: "Class C0"). ClinVar contains an entry for this variant (Variation ID: 1360902). This variant has not been reported in the literature in individuals affected with SPG11-related conditions. This variant is not present in population databases (gnomAD no frequency). This sequence change replaces alanine, which is neutral and non-polar, with threonine, which is neutral and polar, at codon 1696 of the SPG11 protein (p.Ala1696Thr).